The following is an entry in ClinVar:

NM_006074.5(TRIM22):c.449G>C (p.Arg150Thr)

Gene: TRIM22 (tripartite motif containing 22; plus strand). Cytogenetic location: 11p15.4.
Variant type: single nucleotide variant.
Coding change: c.449G>C on transcript NM_006074.5 (MANE Select); coding-DNA position 449, G replaced by C.
Protein change: p.Arg150Thr; replaces arginine 150 with threonine.
Molecular consequence: missense variant.
Genome position (GRCh38, 1-based): chr11:5,697,273, G>C. VCF-style: chr11-5697273-G-C. GRCh37 (hg19) VCF-style: chr11-5718503-G-C.
Other names: c.449G>C, p.Arg150Thr (NM_001199573.2); short protein forms R150T.
Identifiers: ClinVar variation 4872110 (VCV004872110.2).

ClinVar aggregate classification (germline): Benign (1 of 4 stars; one submission).

Submission:

CeGaT Center for Human Genetics Tuebingen
Classification: Benign. Last evaluated: 2026-06-01. Review status: criteria provided, single submitter. Criteria: CeGaT Center For Human Genetics Tuebingen Variant Classification Criteria Version 2. Collection method: clinical testing. Allele origin: germline. Affected: yes. Observed: 1 variant allele.
Comment: TRIM22: BP4, BS1, BS2